The following is an entry in ClinVar:

NM_001370466.1(NOD2):c.2073C>T (p.His691=)

Gene: NOD2 (nucleotide binding oligomerization domain containing 2; plus strand). Cytogenetic location: 16q12.1.
Variant type: single nucleotide variant.
Coding change: c.2073C>T on transcript NM_001370466.1 (MANE Select); coding-DNA position 2073, C replaced by T.
Protein change: p.His691=; no amino-acid change (histidine 691 retained).
Molecular consequence: synonymous variant. On other transcripts: non-coding transcript variant (1).
Genome position (GRCh38, 1-based): chr16:50,712,065, C>T. VCF-style: chr16-50712065-C-T. GRCh37 (hg19) VCF-style: chr16-50745976-C-T.
Other names: c.2073C>T, p.His691= (NM_001293557.2); c.2154C>T, p.His718= (NM_022162.3); c.2154C>T (NM_022162.2).
Identifiers: ClinVar variation 1137864 (VCV001137864.11), dbSNP rs368952727, ClinGen allele CA8051708.

ClinVar aggregate classification (germline): Likely benign. Review status: criteria provided, single submitter (1 of 4 stars). 2 submissions from 2 submitters: Likely benign (1). 1 of the submissions does not count toward it. Last evaluated 2025-05-14.

Conditions:
Blau syndrome (BLAUS). Also called: ARTHROCUTANEOUVEAL GRANULOMATOSIS; GRANULOMATOSIS, FAMILIAL JUVENILE SYSTEMIC; GRANULOMATOSIS, FAMILIAL, BLAU TYPE; GRANULOMATOUS INFLAMMATORY ARTHRITIS, DERMATITIS, AND UVEITIS, FAMILIAL; JABS SYNDROME. Identifiers: Orphanet 90340, MedGen C5201146, MONDO:0008523, OMIM 186580.
Regional enteritis. Also called: Enteritis, Granulomatous. Identifiers: MedGen C0678202, MeSH D003424.
NOD2-related disorder. Also called: NOD2-related condition.

Allele frequency attached by ClinVar (database versions not stated): gnomAD exomes 0.00001; ExAC 0.00002; gnomAD 0.00003; TOPMed 0.00005; ESP Exome Variant Server 0.00008.
gnomAD v4.1: 4 of 1,613,308 alleles (0.00025%); highest among the groups gnomAD compares: African/African-American, 0.0053%; no homozygotes.

Submissions (2):

Labcorp Genetics (formerly Invitae), Labcorp
Classification: Likely benign for Regional enteritis; Blau syndrome. Last evaluated: 2025-05-14. Review status: criteria provided, single submitter. Criteria: Invitae Variant Classification Sherloc (09022015). Collection method: clinical testing. Allele origin: germline.

PreventionGenetics, part of Exact Sciences
Classification: Likely benign for NOD2-related condition. Last evaluated: 2019-04-01. Review status: no assertion criteria provided. Collection method: clinical testing. Allele origin: germline. Not counted in ClinVar's aggregate classification.
Comment: This variant is classified as likely benign based on ACMG/AMP sequence variant interpretation guidelines (Richards et al. 2015 PMID: 25741868, with internal and published modifications).